The following is an entry in ClinVar:

NM_004360.5(CDH1):c.163+1G>T

Gene: CDH1 (cadherin 1; plus strand). Cytogenetic location: 16q22.1.
Variant type: single nucleotide variant.
Coding change: c.163+1G>T on transcript NM_004360.5 (MANE Select); the canonical splice donor site of the intron after coding-DNA position 163, G replaced by T.
Molecular consequence: splice donor variant.
Genome position (GRCh38, 1-based): chr16:68,738,412, G>T. VCF-style: chr16-68738412-G-T. GRCh37 (hg19) VCF-style: chr16-68772315-G-T.
Other names: c.-1453+1G>T (NM_001317185.2); c.-1657+1G>T (NM_001317186.2); c.163+1G>T (NM_001317184.2).
Identifiers: ClinVar variation 3488655 (VCV003488655.2).

ClinVar aggregate classification (germline): Likely pathogenic. Review status: criteria provided, multiple submitters, no conflicts (2 of 4 stars). 2 submissions from 2 submitters: Likely pathogenic (2). Last evaluated 2025-03-20.

Conditions:
Hereditary diffuse gastric adenocarcinoma (HDGC). Also called: DIFFUSE GASTRIC AND LOBULAR BREAST CANCER SYNDROME. Identifiers: Orphanet 26106, MedGen C1708349, MONDO:0007648, OMIM 137215.
Hereditary cancer-predisposing syndrome. Also called: Hereditary Cancer Syndrome; Hereditary neoplastic syndrome; Neoplastic Syndromes, Hereditary; Tumor predisposition. Identifiers: Orphanet 140162, MedGen C0027672, MeSH D009386, MONDO:0015356.

Submissions (2):

Women's Health and Genetics/Laboratory Corporation of America, LabCorp
Classification: Likely pathogenic for Hereditary diffuse gastric adenocarcinoma. Last evaluated: 2025-03-20. Review status: criteria provided, single submitter. Criteria: LabCorp Variant Classification Summary - May 2015. Collection method: clinical testing. Allele origin: germline.
Comment: Variant summary: CDH1 c.163+1G>T is located in a canonical splice-site and is predicted to affect mRNA splicing resulting in a significantly altered protein due to either exon skipping, shortening, or inclusion of intronic material. Variants that disrupt the consensus splice site are a relatively common cause of aberrant splicing and loss of CDH1 function. Several computational tools predict a significant impact on normal splicing: Four predict the variant abolishes a 5' splicing donor site. However, these predictions have yet to be confirmed by functional studies. The variant was absent in 149510 control chromosomes. To our knowledge, no occurrence of c.163+1G>T in individuals affected with Hereditary Diffuse Gastric Cancer and no experimental evidence demonstrating its impact on protein function have been reported. ClinVar contains an entry for this variant (Variation ID: 3488655). Based on the evidence outlined above, the variant was classified as likely pathogenic.

Ambry Genetics
Classification: Likely pathogenic for Hereditary cancer-predisposing syndrome. Last evaluated: 2024-09-27. Review status: criteria provided, single submitter. Criteria: Ambry Variant Classification Scheme 2023. Collection method: clinical testing. Allele origin: germline.
Comment: The c.163+1G>T intronic variant results from a G to T substitution one nucleotide after coding exon 2 of the CDH1 gene. This variant is considered to be rare based on population cohorts in the Genome Aggregation Database (gnomAD). This nucleotide position is highly conserved in available vertebrate species. In silico splice site analysis predicts that this alteration will weaken the native splice donor site and may result in the creation or strengthening of a novel splice donor site. Alterations that disrupt the canonical splice site are expected to cause aberrant splicing, resulting in an abnormal protein or a transcript that is subject to nonsense-mediated mRNA decay. As such, this alteration is classified as likely pathogenic.